The following is an entry in ClinVar:

ClinVar aggregate classification (germline): Uncertain significance. Review status: criteria provided, multiple submitters, no conflicts (2 of 4 stars). 3 submissions from 3 submitters: Uncertain significance (3). Last evaluated 2026-03-15.

Conditions:
Left ventricular noncompaction 8 (LVNC8). Identifiers: Orphanet 154, Orphanet 54260, MedGen C3809288, MONDO:0014152, OMIM 615373.
Inborn genetic diseases. Identifiers: MedGen C0950123, MeSH D030342.

Allele frequency attached by ClinVar (database versions not stated): TOPMed below 0.00001; gnomAD 0.00001; gnomAD exomes 0.00002; ExAC 0.00003.
gnomAD v4.1: 30 of 1,607,764 alleles (0.0019%); highest among the groups gnomAD compares: South Asian, 0.0055%; no homozygotes.

Submissions (3):

Women's Health and Genetics/Laboratory Corporation of America, LabCorp
Classification: Uncertain significance. Last evaluated: 2026-03-15. Review status: criteria provided, single submitter. Criteria: LabCorp Variant Classification Summary - May 2015. Collection method: clinical testing. Allele origin: germline.

Ambry Genetics
Classification: Uncertain significance for Inborn genetic diseases. Last evaluated: 2024-12-04. Review status: criteria provided, single submitter. Criteria: Ambry Variant Classification Scheme 2023. Collection method: clinical testing. Allele origin: germline.

Labcorp Genetics (formerly Invitae), Labcorp
Classification: Uncertain significance for Left ventricular noncompaction 8. Last evaluated: 2024-06-11. Review status: criteria provided, single submitter. Criteria: Invitae Variant Classification Sherloc (09022015). Collection method: clinical testing. Allele origin: germline.
Comment: This sequence change replaces serine, which is neutral and polar, with leucine, which is neutral and non-polar, at codon 793 of the PRDM16 protein (p.Ser793Leu). This variant is present in population databases (rs753460866, gnomAD 0.007%). This variant has not been reported in the literature in individuals affected with PRDM16-related conditions. Algorithms developed to predict the effect of missense changes on protein structure and function output the following: SIFT: "Not Available"; PolyPhen-2: "Benign"; Align-GVGD: "Not Available". The leucine amino acid residue is found in multiple mammalian species, which suggests that this missense change does not adversely affect protein function. In summary, the available evidence is currently insufficient to determine the role of this variant in disease. Therefore, it has been classified as a Variant of Uncertain Significance.

NM_022114.4(PRDM16):c.2378C>T (p.Ser793Leu)

Gene: PRDM16 (PR/SET domain 16; plus strand). Cytogenetic location: 1p36.32.
Variant type: single nucleotide variant.
Coding change: c.2378C>T on transcript NM_022114.4 (MANE Select); coding-DNA position 2378, C replaced by T.
Protein change: p.Ser793Leu; replaces serine 793 with leucine.
Molecular consequence: missense variant.
Genome position (GRCh38, 1-based): chr1:3,412,575, C>T. VCF-style: chr1-3412575-C-T. GRCh37 (hg19) VCF-style: chr1-3329139-C-T.
Other names: c.2378C>T, p.Ser793Leu (NM_199454.3); c.2378C>T (NM_022114.3); short protein forms S793L.
Identifiers: ClinVar variation 2902240 (VCV002902240.5), dbSNP rs753460866, ClinGen allele CA544456.